The following is an entry in ClinVar:

ClinVar aggregate classification (germline): Likely benign (1 of 4 stars; one submission).

gnomAD v4.1: 24 of 1,614,138 alleles (0.0015%); highest among the groups gnomAD compares: East Asian, 0.053%; no homozygotes.

Submission:

CeGaT Center for Human Genetics Tuebingen
Classification: Likely benign. Last evaluated: 2025-04-01. Review status: criteria provided, single submitter. Criteria: CeGaT Center For Human Genetics Tuebingen Variant Classification Criteria Version 2. Collection method: clinical testing. Allele origin: germline. Affected: yes. Observed: 1 variant allele.
Comment: TRRAP: BP4, BP7

NM_001375524.1(TRRAP):c.6409C>T (p.Leu2137=)

Gene: TRRAP (transformation/transcription domain associated protein; plus strand). Cytogenetic location: 7q22.1.
Variant type: single nucleotide variant.
Coding change: c.6409C>T on transcript NM_001375524.1 (MANE Select); coding-DNA position 6409, C replaced by T.
Protein change: p.Leu2137=; no amino-acid change (leucine 2137 retained).
Molecular consequence: synonymous variant.
Genome position (GRCh38, 1-based): chr7:98,959,410, C>T. VCF-style: chr7-98959410-C-T. GRCh37 (hg19) VCF-style: chr7-98557033-C-T.
Other names: c.6388C>T, p.Leu2130= (NM_001244580.2); c.6334C>T, p.Leu2112= (NM_003496.4).
Identifiers: ClinVar variation 3898324 (VCV003898324.7).
Genomic context (GRCh38, chr7:98,959,410, plus strand): 5'-GACAACACCAACACAGCGGGGTCCCCTGGGGAGGTGCTCTCTCGCCGGTGTGTGAACCTT[C>T]TGAAGACTGCGTTGCGGCCAGACATGTGGCCCAAGTCCGAACTCAAGCTGCAGTGGTTCG-3'
Protein context (NP_001362453.1, residues 2127-2147): EVLSRRCVNL[Leu2137=]KTALRPDMWP